The following is an entry in ClinVar:

ClinVar aggregate classification (germline): Uncertain significance (1 of 4 stars; one submission).

Conditions:
Perlman syndrome (PRLMNS). Identifiers: Orphanet 2849, MedGen C0796113, MONDO:0009965, OMIM 267000.

gnomAD v4.1: 1 of 1,607,812 alleles (0.000062%); highest among the groups gnomAD compares: Non-Finnish European, 0.000085%; no homozygotes.

Submission:

Labcorp Genetics (formerly Invitae), Labcorp
Classification: Uncertain significance for Perlman syndrome. Last evaluated: 2022-06-04. Review status: criteria provided, single submitter. Criteria: Invitae Variant Classification Sherloc (09022015). Collection method: clinical testing. Allele origin: germline.
Comment: This variant is not present in population databases (gnomAD no frequency). This sequence change replaces arginine, which is basic and polar, with glycine, which is neutral and non-polar, at codon 102 of the DIS3L2 protein (p.Arg102Gly). In summary, the available evidence is currently insufficient to determine the role of this variant in disease. Therefore, it has been classified as a Variant of Uncertain Significance. This variant has not been reported in the literature in individuals affected with DIS3L2-related conditions. Algorithms developed to predict the effect of missense changes on protein structure and function are either unavailable or do not agree on the potential impact of this missense change (SIFT: "Deleterious"; PolyPhen-2: "Probably Damaging"; Align-GVGD: "Class C0").

NM_152383.5(DIS3L2):c.304C>G (p.Arg102Gly)

Gene: DIS3L2 (DIS3 like 3'-5' exoribonuclease 2; plus strand). Cytogenetic location: 2q37.1.
Variant type: single nucleotide variant.
Coding change: c.304C>G on transcript NM_152383.5 (MANE Select); coding-DNA position 304, C replaced by G.
Protein change: p.Arg102Gly; replaces arginine 102 with glycine.
Molecular consequence: missense variant. On other transcripts: non-coding transcript variant (2).
Genome position (GRCh38, 1-based): chr2:232,030,018, C>G. VCF-style: chr2-232030018-C-G. GRCh37 (hg19) VCF-style: chr2-232894728-C-G.
Other names: c.304C>G, p.Arg102Gly (NM_001257281.2, NM_001257282.2); short protein forms R102G.
Identifiers: ClinVar variation 2002461 (VCV002002461.4), dbSNP rs1312992367, ClinGen allele CA351152925.
Genomic context (GRCh38, chr2:232,030,018, plus strand): 5'-TTATTTCTTTTTCCAACCTAGGATGGTGATCGAGACATTTTTATTGATGGGGTTGTTGCT[C>G]GTAATAGAGCCTTAAATGGGGATCTGGTGGTCGTGAAACTGCTTCCCGAGGAGCATTGGA-3'
Protein context (NP_689596.4, residues 92-112): RDIFIDGVVA[Arg102Gly]NRALNGDLVV